The following is an entry in ClinVar:

ClinVar aggregate classification (germline): Uncertain significance. Review status: criteria provided, single submitter (1 of 4 stars). 2 submissions from 2 submitters: Uncertain significance (1). 1 of the submissions does not count toward it. Last evaluated 2022-04-18.

Conditions:
X-linked severe combined immunodeficiency (SCIDX1). Also called: IMMUNODEFICIENCY 4; SCID, X-LINKED; SEVERE COMBINED IMMUNODEFICIENCY, X-LINKED, T CELL-NEGATIVE, B CELL-POSITIVE, NK CELL-NEGATIVE; X-Linked Combined Immunodeficiency Diseases; T-B+ severe combined immunodeficiency due to gamma chain deficiency. Identifiers: Orphanet 276, MedGen C6022468, MONDO:0010315, OMIM 300400. Disease mechanism: loss of function.

Allele frequency attached by ClinVar (database versions not stated): gnomAD exomes below 0.00001.
gnomAD v4.1: 1 of 1,208,780 alleles (0.000083%); no homozygotes.

Submissions (2):

Labcorp Genetics (formerly Invitae), Labcorp
Classification: Uncertain significance for X-linked severe combined immunodeficiency. Last evaluated: 2022-04-18. Review status: criteria provided, single submitter. Criteria: Invitae Variant Classification Sherloc (09022015). Collection method: clinical testing. Allele origin: germline.
Comment: ClinVar contains an entry for this variant (Variation ID: 661017). Algorithms developed to predict the effect of missense changes on protein structure and function (SIFT, PolyPhen-2, Align-GVGD) all suggest that this variant is likely to be tolerated. In summary, the available evidence is currently insufficient to determine the role of this variant in disease. Therefore, it has been classified as a Variant of Uncertain Significance. This variant has not been reported in the literature in individuals affected with IL2RG-related conditions. This variant is not present in population databases (gnomAD no frequency). This sequence change replaces glutamic acid, which is acidic and polar, with aspartic acid, which is acidic and polar, at codon 199 of the IL2RG protein (p.Glu199Asp).

Natera, Inc.
Classification: Uncertain significance for X-linked severe combined immunodeficiency. Last evaluated: 2020-12-31. Review status: no assertion criteria provided. Collection method: clinical testing. Allele origin: germline. Not counted in ClinVar's aggregate classification.

NM_000206.3(IL2RG):c.597A>C (p.Glu199Asp)

Gene: IL2RG (interleukin 2 receptor subunit gamma; minus strand). Cytogenetic location: Xq13.1.
Variant type: single nucleotide variant.
Coding change: c.597A>C on transcript NM_000206.3 (MANE Select); coding-DNA position 597, A replaced by C.
Protein change: p.Glu199Asp; replaces glutamic acid 199 with aspartic acid.
Molecular consequence: missense variant.
Genome position (GRCh38, 1-based): chrX:71,109,388, T>G on the plus strand (A>C on the coding strand, the complement: IL2RG is on the minus strand). VCF-style: chrX-71109388-T-G. GRCh37 (hg19) VCF-style: chrX-70329238-T-G.
Other names: short protein forms E199D.
Identifiers: ClinVar variation 661017 (VCV000661017.11), dbSNP rs1602288813, ClinGen allele CA413496169.